The following is an entry in ClinVar:

ClinVar aggregate classification (germline): Likely benign (1 of 4 stars; one submission).

Allele frequency attached by ClinVar (database versions not stated): gnomAD exomes 0.00069; gnomAD 0.00648 and 0.00699; TOPMed 0.00704; 1000 Genomes Project 0.00719; 1000 Genomes Project 30x 0.00765.
gnomAD v4.1: 1,628 of 1,049,068 alleles (0.16%); highest among the groups gnomAD compares: African/African-American, 2.1%; 8 homozygotes.

Submission:

GeneDx
Classification: Likely benign. Last evaluated: 2018-06-14. Review status: criteria provided, single submitter. Criteria: GeneDx Variant Classification (06012015). Collection method: clinical testing. Allele origin: germline. Affected: yes.
Comment: This variant is considered likely benign or benign based on one or more of the following criteria: it is a conservative change, it occurs at a poorly conserved position in the protein, it is predicted to be benign by multiple in silico algorithms, and/or has population frequency not consistent with disease.

NM_001759.4(CCND2):c.412-108C>T

Gene: CCND2 (cyclin D2; plus strand). Cytogenetic location: 12p13.32.
Variant type: single nucleotide variant.
Coding change: c.412-108C>T on transcript NM_001759.4 (MANE Select); 108 bases into the intron before coding-DNA position 412, C replaced by T.
Molecular consequence: intron variant.
Genome position (GRCh38, 1-based): chr12:4,278,652, C>T. VCF-style: chr12-4278652-C-T. GRCh37 (hg19) VCF-style: chr12-4387818-C-T.
Identifiers: ClinVar variation 676960 (VCV000676960.1), dbSNP rs114666303, ClinGen allele CA232172664.
Genomic context (GRCh38, chr12:4,278,652, plus strand): 5'-ACTTCAAAGCTTCAGGGGCACATTGACAAATGGGCCCGCCTTACAATCTAGCAGCCACGT[C>T]CTAATGAGCGGCCTTAAAACTGGTCTGGAGCCCAACCCCCAGCCCCCTACACCAGGTCAG-3'